The following is an entry in ClinVar:

NM_203446.3(SYNJ1):c.3249T>G (p.Ser1083Arg)

Gene: SYNJ1 (synaptojanin 1; minus strand). Cytogenetic location: 21q22.11.
Variant type: single nucleotide variant.
Coding change: c.3249T>G on transcript NM_203446.3 (MANE Select); coding-DNA position 3249, T replaced by G.
Protein change: p.Ser1083Arg; replaces serine 1083 with arginine.
Molecular consequence: missense variant.
Genome position (GRCh38, 1-based): chr21:32,645,788, A>C on the plus strand (T>G on the coding strand, the complement: SYNJ1 is on the minus strand). VCF-style: chr21-32645788-A-C. GRCh37 (hg19) VCF-style: chr21-34018098-A-C.
Other names: c.3249T>G, p.Ser1083Arg (NM_001160302.2); c.3234T>G, p.Ser1078Arg (NM_001160306.2); c.3366T>G, p.Ser1122Arg (NM_003895.4); short protein forms S1078R, S1083R, S1122R.
Identifiers: ClinVar variation 1017909 (VCV001017909.10), dbSNP rs1396229702, ClinGen allele CA410068671.

ClinVar aggregate classification (germline): Uncertain significance (1 of 4 stars; one submission).

Conditions:
Early-onset Parkinson disease 20. Also called: PARKINSON DISEASE 20, AUTOSOMAL RECESSIVE EARLY-ONSET. Identifiers: Orphanet 391411, MedGen C3809824, MONDO:0014233, OMIM 615530.
Developmental and epileptic encephalopathy, 53. Also called: Epileptic encephalopathy, early infantile, 53. Identifiers: MedGen C4479313, MONDO:0033362, OMIM 617389.

Allele frequency attached by ClinVar (database versions not stated): gnomAD exomes 0.00001.
gnomAD v4.1: 13 of 1,478,862 alleles (0.00088%); highest among the groups gnomAD compares: South Asian, 0.012%; no homozygotes.

Submission:

Labcorp Genetics (formerly Invitae), Labcorp
Classification: Uncertain significance for Developmental and epileptic encephalopathy, 53; Early-onset Parkinson disease 20. Last evaluated: 2020-02-02. Review status: criteria provided, single submitter. Criteria: Invitae Variant Classification Sherloc (09022015). Collection method: clinical testing. Allele origin: germline.
Comment: In summary, the available evidence is currently insufficient to determine the role of this variant in disease. Therefore, it has been classified as a Variant of Uncertain Significance. Algorithms developed to predict the effect of missense changes on protein structure and function (SIFT, PolyPhen-2, Align-GVGD) all suggest that this variant is likely to be tolerated, but these predictions have not been confirmed by published functional studies and their clinical significance is uncertain. This variant has not been reported in the literature in individuals with SYNJ1-related conditions. The frequency data for this variant in the population databases is considered unreliable, as metrics indicate insufficient coverage at this position in the ExAC database. This sequence change replaces serine with arginine at codon 1122 of the SYNJ1 protein (p.Ser1122Arg). The serine residue is moderately conserved and there is a moderate physicochemical difference between serine and arginine.